The following is an entry in ClinVar:

NM_000135.4(FANCA):c.2351dup (p.Leu784fs)

Gene: FANCA (FA complementation group A; minus strand). Cytogenetic location: 16q24.3.
Variant type: Duplication.
Coding change: c.2351dup on transcript NM_000135.4 (MANE Select); coding-DNA position 2351, one base duplicated (T; older notation c.2351dupT).
Protein change: p.Leu784fs; shifts the reading frame from leucine 784.
Molecular consequence: frameshift variant.
Genome position (GRCh38, 1-based): chr16:89,769,990, A duplicated on the plus strand (T on the coding strand, the reverse complement: FANCA is on the minus strand); the first of 2 consecutive A bases (chr16:89,769,990-89,769,991); duplicating either gives the same sequence. VCF-style (leftmost placement, unchanged base first): chr16-89769989-C-CA. GRCh37 (hg19) VCF-style: chr16-89836397-C-CA.
Other names: c.2351dup, p.Leu784fs (NM_001286167.3); short protein forms L784fs.
Identifiers: ClinVar variation 974034 (VCV000974034.1), dbSNP rs2039266434, ClinGen allele CA1139665011.
Genomic context (GRCh38, chr16:89,769,989, plus strand): 5'-ACCCACATCCACCTCTGGGAGCGCAGACCTGGACTCACCCAGGTGCACGGCCAGGGCAGC[C>CA]AACCCCAGCACATGTGGGGCACTCAGGCTCGGGCCCTGCAACGAGAATGAGGGTGGCAGA-3'

ClinVar aggregate classification (germline): Pathogenic (0 of 4 stars; one submission).

Conditions:
Fanconi anemia complementation group A (FANCA). Also called: Fanconi anemia, group A; FANCA-Related Fanconi Anemia. Identifiers: Orphanet 84, MedGen C3469521, MONDO:0009215, OMIM 227650.

Submission:

Leiden Open Variation Database
Classification: Pathogenic for Fanconi anemia complementation group A. Last evaluated: 2020-02-28. Review status: no assertion criteria provided. Collection method: curation. Allele origin: germline. Affected: yes.
Comment: Curator: Arleen D. Auerbach. Submitter to LOVD: Arleen D. Auerbach.